The following is an entry in ClinVar:

ClinVar aggregate classification (germline): Pathogenic (1 of 4 stars; one submission).

Conditions:
Primary ciliary dyskinesia. Also called: Ciliary dyskinesia. Identifiers: Orphanet 244, MedGen C0008780, MONDO:0016575, HP:0012265.

Allele frequency attached by ClinVar (database versions not stated): gnomAD exomes below 0.00001; ExAC 0.00001.
gnomAD v4.1: 1 of 1,614,140 alleles (0.000062%); highest among the groups gnomAD compares: East Asian, 0.0022%; no homozygotes.

Submission:

Labcorp Genetics (formerly Invitae), Labcorp
Classification: Pathogenic for Primary ciliary dyskinesia. Last evaluated: 2022-06-29. Review status: criteria provided, single submitter. Criteria: Invitae Variant Classification Sherloc (09022015). Collection method: clinical testing. Allele origin: germline.
Comment: This sequence change affects a donor splice site in intron 36 of the DNAH5 gene. It is expected to disrupt RNA splicing. Variants that disrupt the donor or acceptor splice site typically lead to a loss of protein function (PMID: 16199547), and loss-of-function variants in DNAH5 are known to be pathogenic (PMID: 11788826, 16627867). This variant is present in population databases (rs772658660, gnomAD 0.006%). Disruption of this splice site has been observed in individual(s) with primary ciliary dyskinesia (PMID: 33577779). Algorithms developed to predict the effect of sequence changes on RNA splicing suggest that this variant may disrupt the consensus splice site. For these reasons, this variant has been classified as Pathogenic.

Literature cited by the submitters: PubMed 16199547; PubMed 11788826; PubMed 16627867; PubMed 33577779.

NM_001369.3(DNAH5):c.6061+1G>A

Gene: DNAH5 (dynein axonemal heavy chain 5; minus strand). Cytogenetic location: 5p15.2.
Variant type: single nucleotide variant.
Coding change: c.6061+1G>A on transcript NM_001369.3 (MANE Select); the canonical splice donor site of the intron after coding-DNA position 6061, G replaced by A.
Molecular consequence: splice donor variant.
Genome position (GRCh38, 1-based): chr5:13,830,596, C>T on the plus strand (G>A on the coding strand, the complement: DNAH5 is on the minus strand). VCF-style: chr5-13830596-C-T. GRCh37 (hg19) VCF-style: chr5-13830705-C-T.
Identifiers: ClinVar variation 1929363 (VCV001929363.5), dbSNP rs772658660, ClinGen allele CA3203496.